The following is an entry in ClinVar:

ClinVar aggregate classification (germline): Likely benign. Review status: criteria provided, multiple submitters, no conflicts (2 of 4 stars). 3 submissions from 3 submitters: Likely benign (2). 1 of the submissions does not count toward it. Last evaluated 2022-08-15.

Conditions:
FLRT1-related disorder. Also called: FLRT1-related condition.
Peripheral neuropathy. Also called: Neuropathy. Identifiers: MedGen C0031117, MONDO:0005244, HP:0009830.

Allele frequency attached by ClinVar (database versions not stated): 1000 Genomes Project 0.00080; 1000 Genomes Project 30x 0.00094; TOPMed 0.00135; ESP Exome Variant Server 0.00139; gnomAD 0.00139 and 0.00152; gnomAD exomes 0.00147 and 0.00213; ExAC 0.00166.
gnomAD v4.1: 3,292 of 1,613,982 alleles (0.2%); highest among the groups gnomAD compares: Non-Finnish European, 0.26%; 4 homozygotes.

Submissions (3):

Labcorp Genetics (formerly Invitae), Labcorp
Classification: Likely benign for Peripheral neuropathy. Last evaluated: 2022-08-15. Review status: criteria provided, single submitter. Criteria: Invitae Variant Classification Sherloc (09022015). Collection method: clinical testing. Allele origin: germline.

Breakthrough Genomics
Classification: Likely benign. Review status: criteria provided, single submitter. Criteria: ACMG Guidelines, 2015. Collection method: not provided. Allele origin: germline. Inheritance: Unknown mechanism. Affected: yes.

PreventionGenetics, part of Exact Sciences
Classification: Likely benign for FLRT1-related condition. Last evaluated: 2022-11-28. Review status: no assertion criteria provided. Collection method: clinical testing. Allele origin: germline. Not counted in ClinVar's aggregate classification.
Comment: This variant is classified as likely benign based on ACMG/AMP sequence variant interpretation guidelines (Richards et al. 2015 PMID: 25741868, with internal and published modifications).

NM_013280.5(FLRT1):c.407A>G (p.Asp136Gly)

Genes: FLRT1 (fibronectin leucine rich transmembrane protein 1; plus strand), MACROD1 (mono-ADP ribosylhydrolase 1; minus strand). Cytogenetic location: 11q13.1.
Variant type: single nucleotide variant.
Coding change: c.407A>G on transcript NM_013280.5 (MANE Select); coding-DNA position 407, A replaced by G.
Protein change: p.Asp136Gly; replaces aspartic acid 136 with glycine.
Molecular consequence: missense variant. On other transcripts: intron variant (2).
Genome position (GRCh38, 1-based): chr11:64,116,674, A>G. VCF-style: chr11-64116674-A-G. GRCh37 (hg19) VCF-style: chr11-63884146-A-G.
Other names: c.407A>G, p.Asp136Gly (NM_001384466.1); c.323A>G, p.Asp108Gly (NM_001423967.1); c.517+34565T>C (NM_001411019.1, NM_014067.4); short protein forms D136G, D108G.
Identifiers: ClinVar variation 461802 (VCV000461802.15), dbSNP rs116999073, ClinGen allele CA6067471.
Genomic context (GRCh38, chr11:64,116,674, plus strand): 5'-ATGACCTGGATGAGTTCCCCATCAACCTGCCCCGCTCCCTCCGGGAGCTGCACCTGCAGG[A>G]CAACAATGTGCGCACCATTGCCAGGGACTCGCTGGCCCGCATCCCGCTGCTGGAGAAGCT-3'
Protein context (NP_037412.2, residues 126-146): PRSLRELHLQ[Asp136Gly]NNVRTIARDS